The following is an entry in ClinVar:

NM_144687.4(NLRP12):c.496C>A (p.His166Asn)

Gene: NLRP12 (NLR family pyrin domain containing 12; minus strand). Cytogenetic location: 19q13.42.
Variant type: single nucleotide variant.
Coding change: c.496C>A on transcript NM_144687.4 (MANE Select); coding-DNA position 496, C replaced by A.
Protein change: p.His166Asn; replaces histidine 166 with asparagine.
Molecular consequence: missense variant.
Genome position (GRCh38, 1-based): chr19:53,811,163, G>T on the plus strand (C>A on the coding strand, the complement: NLRP12 is on the minus strand). VCF-style: chr19-53811163-G-T. GRCh37 (hg19) VCF-style: chr19-54314417-G-T.
Other names: c.496C>A, p.His166Asn (NM_001277126.2, NM_001277129.1); short protein forms H166N.
Identifiers: ClinVar variation 1722126 (VCV001722126.5), dbSNP rs761463256, ClinGen allele CA9639690.
Genomic context (GRCh38, chr19:53,811,163, plus strand): 5'-TCCTCGCGTGTCCCCGGCCTGTGTCCAGAAGCTGCTGCTGGACCTGCATGGGGTTTGAGT[G>T]CTCCTTCACCAGCAGGAGCCGGGTGTACCGGTGGCTGAGGTTGACACATTCCCCTAGGCG-3'
Protein context (NP_653288.1, residues 156-176): RYTRLLLVKE[His166Asn]SNPMQVQQQL

ClinVar aggregate classification (germline): Uncertain significance (1 of 4 stars; one submission).

Conditions:
Familial cold autoinflammatory syndrome 2 (FCAS2). Identifiers: Orphanet 247868, MedGen C2673198, MONDO:0012724, OMIM 611762.

Allele frequency attached by ClinVar (database versions not stated): ExAC 0.00002.
gnomAD v4.1: 8 of 1,614,100 alleles (0.0005%); highest among the groups gnomAD compares: Non-Finnish European, 0.00068%; no homozygotes.

Submission:

Labcorp Genetics (formerly Invitae), Labcorp
Classification: Uncertain significance for Familial cold autoinflammatory syndrome 2. Last evaluated: 2022-10-25. Review status: criteria provided, single submitter. Criteria: Invitae Variant Classification Sherloc (09022015). Collection method: clinical testing. Allele origin: germline.
Comment: In summary, the available evidence is currently insufficient to determine the role of this variant in disease. Therefore, it has been classified as a Variant of Uncertain Significance. Algorithms developed to predict the effect of missense changes on protein structure and function (SIFT, PolyPhen-2, Align-GVGD) all suggest that this variant is likely to be disruptive. This variant has not been reported in the literature in individuals affected with NLRP12-related conditions. This variant is present in population databases (rs761463256, gnomAD 0.003%). This sequence change replaces histidine, which is basic and polar, with asparagine, which is neutral and polar, at codon 166 of the NLRP12 protein (p.His166Asn).